The following is an entry in ClinVar:

ClinVar aggregate classification (germline): Uncertain significance (1 of 4 stars; one submission).

Conditions:
Inborn genetic diseases. Identifiers: MedGen C0950123, MeSH D030342.

Allele frequency attached by ClinVar (database versions not stated): gnomAD exomes below 0.00001.
gnomAD v4.1: 4 of 1,613,598 alleles (0.00025%); highest among the groups gnomAD compares: Non-Finnish European, 0.00034%; no homozygotes.

Submission:

Ambry Genetics
Classification: Uncertain significance for Inborn genetic diseases. Last evaluated: 2022-04-25. Review status: criteria provided, single submitter. Criteria: Ambry Variant Classification Scheme 2023. Collection method: clinical testing. Allele origin: germline.
Comment: The p.A683T variant (also known as c.2047G>A), located in coding exon 16 of the DPYD gene, results from a G to A substitution at nucleotide position 2047. The alanine at codon 683 is replaced by threonine, an amino acid with similar properties. This amino acid position is conserved. In addition, this alteration is predicted to be deleterious by in silico analysis. Since supporting evidence is limited at this time, the clinical significance of this alteration remains unclear.

NM_000110.4(DPYD):c.2047G>A (p.Ala683Thr)

Gene: DPYD (dihydropyrimidine dehydrogenase; minus strand). Cytogenetic location: 1p21.3.
Variant type: single nucleotide variant.
Coding change: c.2047G>A on transcript NM_000110.4 (MANE Select); coding-DNA position 2047, G replaced by A.
Protein change: p.Ala683Thr; replaces alanine 683 with threonine.
Molecular consequence: missense variant.
Genome position (GRCh38, 1-based): chr1:97,373,572, C>T on the plus strand (G>A on the coding strand, the complement: DPYD is on the minus strand). VCF-style: chr1-97373572-C-T. GRCh37 (hg19) VCF-style: chr1-97839128-C-T.
Other names: short protein forms A683T.
Identifiers: ClinVar variation 1784995 (VCV001784995.2), dbSNP rs2525630867, ClinGen allele CA341375561.